The following is an entry in ClinVar:

NM_005359.6(SMAD4):c.362T>A (p.Leu121Ter)

Gene: SMAD4 (SMAD family member 4; plus strand). Cytogenetic location: 18q21.2.
Variant type: single nucleotide variant.
Coding change: c.362T>A on transcript NM_005359.6 (MANE Select); coding-DNA position 362, T replaced by A.
Protein change: p.Leu121Ter; replaces leucine 121 with a stop codon.
Molecular consequence: nonsense. On other transcripts: non-coding transcript variant (2).
Genome position (GRCh38, 1-based): chr18:51,048,798, T>A. VCF-style: chr18-51048798-T-A. GRCh37 (hg19) VCF-style: chr18-48575168-T-A.
Other names: c.362T>A, p.Leu121Ter (NM_001407041.1, NM_001407042.1, NM_001407043.1); short protein forms L121*.
Identifiers: ClinVar variation 5000465 (VCV005000465.1).

ClinVar aggregate classification (germline): Pathogenic (1 of 4 stars; one submission).

Conditions:
SMAD4-related disorder. Also called: SMAD4-related condition; SMAD4-Related disorders.

Submission:

PreventionGenetics, part of Exact Sciences
Classification: Pathogenic for SMAD4-related condition. Last evaluated: 2025-07-10. Review status: criteria provided, single submitter. Criteria: ACMG Guidelines, 2015. Collection method: clinical testing. Allele origin: germline.
Comment: The SMAD4 c.362T>A variant is predicted to result in premature protein termination (p.Leu121*). To our knowledge, this variant has not been reported in the literature or in a large population database (gnomAD), indicating this variant is rare. Nonsense variants in SMAD4 are expected to be pathogenic. This variant is interpreted as pathogenic.